The following is an entry in ClinVar:

ClinVar aggregate classification (germline): Uncertain significance. Review status: criteria provided, multiple submitters, no conflicts (2 of 4 stars). 3 submissions from 3 submitters: Uncertain significance (3). Last evaluated 2025-01-08.

Conditions:
Inborn genetic diseases. Identifiers: MedGen C0950123, MeSH D030342.

Allele frequency attached by ClinVar (database versions not stated): TOPMed 0.00006; gnomAD 0.00007 and 0.00008; ExAC 0.00008; ESP Exome Variant Server 0.00008; gnomAD exomes 0.00009 and 0.00017.
gnomAD v4.1: 249 of 1,613,962 alleles (0.015%); highest among the groups gnomAD compares: Non-Finnish European, 0.02%; no homozygotes.

Submissions (3):

Labcorp Genetics (formerly Invitae), Labcorp
Classification: Uncertain significance. Last evaluated: 2025-01-08. Review status: criteria provided, single submitter. Criteria: Invitae Variant Classification Sherloc (09022015). Collection method: clinical testing. Allele origin: germline.
Comment: This sequence change replaces arginine, which is basic and polar, with histidine, which is basic and polar, at codon 386 of the ACY1 protein (p.Arg386His). This variant is present in population databases (rs202207844, gnomAD 0.02%). This variant has not been reported in the literature in individuals affected with ACY1-related conditions. ClinVar contains an entry for this variant (Variation ID: 1422734). Invitae Evidence Modeling of protein sequence and biophysical properties (such as structural, functional, and spatial information, amino acid conservation, physicochemical variation, residue mobility, and thermodynamic stability) indicates that this missense variant is not expected to disrupt ACY1 protein function with a negative predictive value of 80%. In summary, the available evidence is currently insufficient to determine the role of this variant in disease. Therefore, it has been classified as a Variant of Uncertain Significance.

Ambry Genetics
Classification: Uncertain significance for Inborn genetic diseases. Last evaluated: 2022-07-13. Review status: criteria provided, single submitter. Criteria: Ambry Variant Classification Scheme 2023. Collection method: clinical testing. Allele origin: germline.

Breakthrough Genomics
Classification: Uncertain significance. Review status: criteria provided, single submitter. Criteria: ACMG Guidelines, 2015. Collection method: not provided. Allele origin: germline. Inheritance: Autosomal recessive inheritance. Affected: yes.

NM_000666.3(ACY1):c.1157G>A (p.Arg386His)

Genes: ABHD14A-ACY1 (ABHD14A-ACY1 readthrough; plus strand), ACY1 (aminoacylase 1; plus strand). Cytogenetic location: 3p21.2.
Variant type: single nucleotide variant.
Coding change: c.1157G>A on transcript NM_000666.3 (MANE Select); coding-DNA position 1157, G replaced by A.
Protein change: p.Arg386His; replaces arginine 386 with histidine.
Molecular consequence: missense variant.
Genome position (GRCh38, 1-based): chr3:51,989,005, G>A. VCF-style: chr3-51989005-G-A. GRCh37 (hg19) VCF-style: chr3-52023021-G-A.
Other names: c.1427G>A, p.Arg476His (NM_001316331.2); c.1157G>A, p.Arg386His (NM_001198895.2); c.941G>A, p.Arg314His (NM_001198896.2); c.962G>A, p.Arg321His (NM_001198897.2); c.1052G>A, p.Arg351His (NM_001198898.2); short protein forms R314H, R321H, R351H, R386H, R476H.
Identifiers: ClinVar variation 1422734 (VCV001422734.8), dbSNP rs202207844, ClinGen allele CA2428773.